The following is an entry in ClinVar:

ClinVar aggregate classification (germline): Uncertain significance (1 of 4 stars; one submission).

Submission:

Labcorp Genetics (formerly Invitae), Labcorp
Classification: Uncertain significance. Last evaluated: 2022-10-26. Review status: criteria provided, single submitter. Criteria: Invitae Variant Classification Sherloc (09022015). Collection method: clinical testing. Allele origin: germline.
Comment: This sequence change replaces leucine, which is neutral and non-polar, with phenylalanine, which is neutral and non-polar, at codon 602 of the SLC13A3 protein (p.Leu602Phe). This variant is not present in population databases (gnomAD no frequency). This variant has not been reported in the literature in individuals affected with SLC13A3-related conditions. Algorithms developed to predict the effect of missense changes on protein structure and function output the following: SIFT: "Tolerated"; PolyPhen-2: "Possibly Damaging"; Align-GVGD: "Class C0". The phenylalanine amino acid residue is found in multiple mammalian species, which suggests that this missense change does not adversely affect protein function. In summary, the available evidence is currently insufficient to determine the role of this variant in disease. Therefore, it has been classified as a Variant of Uncertain Significance.

NM_022829.6(SLC13A3):c.1804C>T (p.Leu602Phe)

Gene: SLC13A3 (solute carrier family 13 member 3; minus strand). Cytogenetic location: 20q13.12.
Variant type: single nucleotide variant.
Coding change: c.1804C>T on transcript NM_022829.6 (MANE Select); coding-DNA position 1804, C replaced by T.
Protein change: p.Leu602Phe; replaces leucine 602 with phenylalanine.
Molecular consequence: missense variant.
Genome position (GRCh38, 1-based): chr20:46,560,027, G>A on the plus strand (C>T on the coding strand, the complement: SLC13A3 is on the minus strand). VCF-style: chr20-46560027-G-A. GRCh37 (hg19) VCF-style: chr20-45188666-G-A.
Other names: c.1663C>T, p.Leu555Phe (NM_001011554.3); c.1654C>T, p.Leu552Phe (NM_001193339.2); c.1558C>T, p.Leu520Phe (NM_001193340.2); c.1510C>T, p.Leu504Phe (NM_001193342.2); short protein forms L504F, L520F, L552F, L555F, L602F.
Identifiers: ClinVar variation 1717681 (VCV001717681.6), dbSNP rs2516527891, ClinGen allele CA409257197.